The following is an entry in ClinVar:

ClinVar aggregate classification (germline): Uncertain significance (1 of 4 stars; one submission).

Conditions:
Hereditary cancer-predisposing syndrome. Also called: Hereditary neoplastic syndrome; Neoplastic Syndromes, Hereditary; Tumor predisposition; Hereditary Cancer Syndrome. Identifiers: Orphanet 140162, MedGen C0027672, MeSH D009386, MONDO:0015356.

Submission:

Ambry Genetics
Classification: Uncertain significance for Hereditary cancer-predisposing syndrome. Last evaluated: 2025-09-01. Review status: criteria provided, single submitter. Criteria: Ambry Variant Classification Scheme 2023. Collection method: clinical testing. Allele origin: germline.
Comment: The p.S1194L variant (also known as c.3581C>T), located in coding exon 15 of the APC gene, results from a C to T substitution at nucleotide position 3581. The serine at codon 1194 is replaced by leucine, an amino acid with dissimilar properties. This amino acid position is conserved. In addition, in silico predictors for this gene do not accurately predict pathogenicity. Based on the available evidence, the clinical significance of this variant remains unclear.

NM_000038.6(APC):c.3581C>T (p.Ser1194Leu)

Gene: APC (APC regulator of Wnt signaling pathway; plus strand). Cytogenetic location: 5q22.2.
Variant type: single nucleotide variant.
Coding change: c.3581C>T on transcript NM_000038.6 (MANE Select); coding-DNA position 3581, C replaced by T.
Protein change: p.Ser1194Leu; replaces serine 1194 with leucine.
Molecular consequence: missense variant. On other transcripts: non-coding transcript variant (2).
Genome position (GRCh38, 1-based): chr5:112,839,175, C>T. VCF-style: chr5-112839175-C-T. GRCh37 (hg19) VCF-style: chr5-112174872-C-T.
Other names: c.3278C>T, p.Ser1093Leu (NM_001407459.1, NM_001407460.1, NM_001354903.2 and 1 more transcripts); c.3194C>T, p.Ser1065Leu (NM_001407467.1, NM_001407469.1); c.2732C>T, p.Ser911Leu (NM_001407470.1, NM_001354906.2); c.2429C>T, p.Ser810Leu (NM_001407471.1, NM_001407472.1); c.3581C>T, p.Ser1194Leu (NM_001127510.3, NM_001354895.2, NM_001407450.1); c.3527C>T, p.Ser1176Leu (NM_001127511.3); c.3635C>T, p.Ser1212Leu (NM_001354896.2, NM_001407447.1, NM_001407448.1 and 1 more transcripts); c.3611C>T, p.Ser1204Leu (NM_001354897.2); and 11 more; short protein forms S1153L, S1169L, S1184L, S1034L, S1093L, S1135L, S1166L, S1176L.
Identifiers: ClinVar variation 4121726 (VCV004121726.1).
Genomic context (GRCh38, chr5:112,839,175, plus strand): 5'-ATCAGCCTATTGATTATAGTTTAAAATATGCCACAGATATTCCTTCATCACAGAAACAGT[C>T]ATTTTCATTCTCAAAGAGTTCATCTGGACAAAGCAGTAAAACCGAACATATGTCTTCAAG-3'
Protein context (NP_000029.2, residues 1184-1204): ATDIPSSQKQ[Ser1194Leu]FSFSKSSSGQ